The following is an entry in ClinVar:

NM_001845.6(COL4A1):c.2486G>A (p.Gly829Asp)

Gene: COL4A1 (collagen type IV alpha 1 chain; minus strand). Cytogenetic location: 13q34.
Variant type: single nucleotide variant.
Coding change: c.2486G>A on transcript NM_001845.6 (MANE Select); coding-DNA position 2486, G replaced by A.
Protein change: p.Gly829Asp; replaces glycine 829 with aspartic acid.
Molecular consequence: missense variant.
Genome position (GRCh38, 1-based): chr13:110,178,204, C>T on the plus strand (G>A on the coding strand, the complement: COL4A1 is on the minus strand). VCF-style: chr13-110178204-C-T. GRCh37 (hg19) VCF-style: chr13-110830551-C-T.
Other names: short protein forms G829D.
Identifiers: ClinVar variation 4746040 (VCV004746040.1).

ClinVar aggregate classification (germline): Likely pathogenic (1 of 4 stars; one submission).

Submission:

Labcorp Genetics (formerly Invitae), Labcorp
Classification: Likely pathogenic. Last evaluated: 2025-06-09. Review status: criteria provided, single submitter. Criteria: Invitae Variant Classification Sherloc (09022015). Collection method: clinical testing. Allele origin: germline.
Comment: This sequence change replaces glycine, which is neutral and non-polar, with aspartic acid, which is acidic and polar, at codon 829 of the COL4A1 protein (p.Gly829Asp). This variant is not present in population databases (gnomAD no frequency). This variant has not been reported in the literature in individuals affected with COL4A1-related conditions. Invitae Evidence Modeling of protein sequence and biophysical properties (such as structural, functional, and spatial information, amino acid conservation, physicochemical variation, residue mobility, and thermodynamic stability) indicates that this missense variant is expected to disrupt COL4A1 protein function with a positive predictive value of 95%. This variant disrupts the triple helix domain of COL4A1. Glycine residues within the Gly-Xaa-Yaa repeats of the triple helix domain are required for the structure and stability of fibrillar collagens (PMID: 7695699, 8218237, 19344236). In COL4A1 variants affecting these glycine residues are significantly enriched in individuals with disease (PMID: 9016532, 17078022) compared to the general population (ExAC). In summary, the currently available evidence indicates that the variant is pathogenic, but additional data are needed to prove that conclusively. Therefore, this variant has been classified as Likely Pathogenic.

Literature cited by the submitters: PubMed 7695699; PubMed 8218237; PubMed 19344236; PubMed 9016532; PubMed 17078022.